The following is an entry in ClinVar:

ClinVar aggregate classification (germline): Uncertain significance (1 of 4 stars; one submission).

Conditions:
Neurodevelopmental disorder with or without hyperkinetic movements and seizures, autosomal dominant. Also called: Intellectual disability, autosomal dominant 8. Identifiers: MedGen C3280282, MONDO:0013655, OMIM 614254.

Allele frequency attached by ClinVar (database versions not stated): gnomAD exomes below 0.00001.
gnomAD v4.1: 1 of 1,220,480 alleles (0.000082%); highest among the groups gnomAD compares: Non-Finnish European, 0.00011%; no homozygotes.

Submission:

Labcorp Genetics (formerly Invitae), Labcorp
Classification: Uncertain significance for Neurodevelopmental disorder with or without hyperkinetic movements and seizures, autosomal dominant. Last evaluated: 2021-03-26. Review status: criteria provided, single submitter. Criteria: Invitae Variant Classification Sherloc (09022015). Collection method: clinical testing. Allele origin: germline.
Comment: This variant has not been reported in the literature in individuals with GRIN1-related conditions. In summary, the available evidence is currently insufficient to determine the role of this variant in disease. Therefore, it has been classified as a Variant of Uncertain Significance. Advanced modeling of protein sequence and biophysical properties (such as structural, functional, and spatial information, amino acid conservation, physicochemical variation, residue mobility, and thermodynamic stability) performed at Invitae indicates that this missense variant is expected to disrupt GRIN1 protein function. This variant is not present in population databases (ExAC no frequency). This sequence change replaces leucine with proline at codon 541 of the GRIN1 protein (p.Leu541Pro). The leucine residue is highly conserved and there is a moderate physicochemical difference between leucine and proline.

NM_007327.4(GRIN1):c.1622T>C (p.Leu541Pro)

Gene: GRIN1 (glutamate ionotropic receptor NMDA type subunit 1; plus strand). Cytogenetic location: 9q34.3.
Variant type: single nucleotide variant.
Coding change: c.1622T>C on transcript NM_007327.4 (MANE Select); coding-DNA position 1622, T replaced by C.
Protein change: p.Leu541Pro; replaces leucine 541 with proline.
Molecular consequence: missense variant.
Genome position (GRCh38, 1-based): chr9:137,162,078, T>C. VCF-style: chr9-137162078-T-C. GRCh37 (hg19) VCF-style: chr9-140056530-T-C.
Other names: c.1622T>C, p.Leu541Pro (NM_000832.7, NM_021569.4); c.1685T>C, p.Leu562Pro (NM_001185090.2, NM_001185091.2); short protein forms L541P, L562P.
Identifiers: ClinVar variation 1520392 (VCV001520392.8), dbSNP rs1588730464, ClinGen allele CA375717529.
Genomic context (GRCh38, chr9:137,162,078, plus strand): 5'-ACGAGCGCGCGCAGTACATCGAGTTTTCCAAGCCCTTCAAGTACCAGGGCCTGACTATTC[T>C]GGTCAAGAAGGTGGGCAGGGGCCGGGTGGCGGGGTGGCGGCGGGGGGAGTCCCTGGAGGG-3'
Protein context (NP_015566.1, residues 531-551): KPFKYQGLTI[Leu541Pro]VKKEIPRSTL